The following is an entry in ClinVar:

ClinVar aggregate classification (germline): Uncertain significance (1 of 4 stars; one submission).

Conditions:
Hereditary spastic paraplegia 30. Identifiers: Orphanet 101010, MedGen C5235139, MONDO:0012476.
Neuropathy, hereditary sensory, type 2C. Also called: Hereditary sensory and autonomic neuropathy type IIC; KIF1A-Related HSAN2 (HSAN2C). Identifiers: Orphanet 970, MedGen C3280168, MONDO:0013634, OMIM 614213.
Intellectual disability, autosomal dominant 9 (NESCAVS). Also called: NESCAV SYNDROME; KIF1A-Related Neurodevelopmental Disorder. Identifiers: Orphanet 662367, MedGen C5393830, MONDO:0013656, OMIM 614255.

Submission:

Labcorp Genetics (formerly Invitae), Labcorp
Classification: Uncertain significance for Hereditary spastic paraplegia 30; Neuropathy, hereditary sensory, type 2C; Intellectual disability, autosomal dominant 9. Last evaluated: 2022-10-20. Review status: criteria provided, single submitter. Criteria: Invitae Variant Classification Sherloc (09022015). Collection method: clinical testing. Allele origin: germline.
Comment: This sequence change replaces serine, which is neutral and polar, with alanine, which is neutral and non-polar, at codon 937 of the KIF1A protein (p.Ser937Ala). This variant is not present in population databases (gnomAD no frequency). This variant has not been reported in the literature in individuals affected with KIF1A-related conditions. Algorithms developed to predict the effect of missense changes on protein structure and function (SIFT, PolyPhen-2, Align-GVGD) all suggest that this variant is likely to be tolerated. In summary, the available evidence is currently insufficient to determine the role of this variant in disease. Therefore, it has been classified as a Variant of Uncertain Significance.

NM_001244008.2(KIF1A):c.3112T>G (p.Ser1038Ala)

Gene: KIF1A (kinesin family member 1A; minus strand). Cytogenetic location: 2q37.3.
Variant type: single nucleotide variant.
Coding change: c.3112T>G on transcript NM_001244008.2 (MANE Select); coding-DNA position 3112, T replaced by G.
Protein change: p.Ser1038Ala; replaces serine 1038 with alanine.
Molecular consequence: missense variant.
Genome position (GRCh38, 1-based): chr2:240,746,129, A>C on the plus strand (T>G on the coding strand, the complement: KIF1A is on the minus strand). VCF-style: chr2-240746129-A-C. GRCh37 (hg19) VCF-style: chr2-241685546-A-C.
Other names: c.2836T>G, p.Ser946Ala (NM_001320705.2, NM_001330289.2, NM_001379638.1); c.2911T>G, p.Ser971Ala (NM_001330290.2, NM_001379634.1, NM_001379635.1 and 1 more transcripts); c.3187T>G, p.Ser1063Ala (NM_001379631.1); c.3061T>G, p.Ser1021Ala (NM_001379632.1); c.3085T>G, p.Ser1029Ala (NM_001379633.1, NM_001379642.1, NM_001379645.1); c.2809T>G, p.Ser937Ala (NM_001379636.1, NM_001379639.1, NM_001379640.1 and 7 more transcripts); c.2884T>G, p.Ser962Ala (NM_001379637.1, NM_001379648.1); short protein forms S1021A, S1029A, S1038A, S1063A, S937A, S946A, S962A, S971A.
Identifiers: ClinVar variation 1721950 (VCV001721950.6), dbSNP rs2537298826, ClinGen allele CA351318945.